The following is an entry in ClinVar:

ClinVar aggregate classification (germline): Likely benign. Review status: criteria provided, multiple submitters, no conflicts (2 of 4 stars). 3 submissions from 3 submitters: Likely benign (3). Last evaluated 2025-03-17.

Allele frequency attached by ClinVar (database versions not stated): TOPMed 0.00002; gnomAD 0.00003; ExAC 0.00004; gnomAD exomes 0.00004; ESP Exome Variant Server 0.00008.
gnomAD v4.1: 79 of 1,614,108 alleles (0.0049%); highest among the groups gnomAD compares: Middle Eastern, 0.016%; no homozygotes.

Submissions (3):

Labcorp Genetics (formerly Invitae), Labcorp
Classification: Likely benign. Last evaluated: 2025-03-17. Review status: criteria provided, single submitter. Criteria: Invitae Variant Classification Sherloc (09022015). Collection method: clinical testing. Allele origin: germline.

GeneDx
Classification: Likely benign. Last evaluated: 2017-11-17. Review status: criteria provided, single submitter. Criteria: GeneDx Variant Classification (06012015). Collection method: clinical testing. Allele origin: germline. Affected: yes.
Comment: This variant is considered likely benign or benign based on one or more of the following criteria: it is a conservative change, it occurs at a poorly conserved position in the protein, it is predicted to be benign by multiple in silico algorithms, and/or has population frequency not consistent with disease.

Breakthrough Genomics
Classification: Likely benign. Review status: criteria provided, single submitter. Criteria: ACMG Guidelines, 2015. Collection method: not provided. Allele origin: germline. Inheritance: Autosomal recessive inheritance. Affected: yes.

NM_005422.4(TECTA):c.6102C>T (p.Asp2034=)

Genes: TBCEL-TECTA (TBCEL-TECTA readthrough; plus strand), TECTA (tectorin alpha; plus strand). Cytogenetic location: 11q23.3.
Variant type: single nucleotide variant.
Coding change: c.6102C>T on transcript NM_005422.4 (MANE Select); coding-DNA position 6102, C replaced by T.
Protein change: p.Asp2034=; no amino-acid change (aspartic acid 2034 retained).
Molecular consequence: synonymous variant.
Genome position (GRCh38, 1-based): chr11:121,187,934, C>T. VCF-style: chr11-121187934-C-T. GRCh37 (hg19) VCF-style: chr11-121058643-C-T.
Other names: c.7044C>T, p.Asp2348= (NM_001378761.1).
Identifiers: ClinVar variation 513292 (VCV000513292.9), dbSNP rs367736479, ClinGen allele CA6327884.